The following is an entry in ClinVar:

ClinVar aggregate classification (germline): Likely benign. Review status: criteria provided, multiple submitters, no conflicts (2 of 4 stars). 2 submissions from 2 submitters: Likely benign (2). Last evaluated 2023-12-11.

Allele frequency attached by ClinVar (database versions not stated): TOPMed 0.00002; gnomAD 0.00003; gnomAD exomes 0.00006; ExAC 0.00007; 1000 Genomes Project 30x 0.00016; 1000 Genomes Project 0.00020.
gnomAD v4.1: 88 of 1,614,124 alleles (0.0055%); highest among the groups gnomAD compares: East Asian, 0.14%; no homozygotes.

Submissions (2):

Labcorp Genetics (formerly Invitae), Labcorp
Classification: Likely benign. Last evaluated: 2023-12-11. Review status: criteria provided, single submitter. Criteria: Invitae Variant Classification Sherloc (09022015). Collection method: clinical testing. Allele origin: germline.

CeGaT Center for Human Genetics Tuebingen
Classification: Likely benign. Last evaluated: 2023-10-01. Review status: criteria provided, single submitter. Criteria: CeGaT Center For Human Genetics Tuebingen Variant Classification Criteria Version 2. Collection method: clinical testing. Allele origin: germline. Affected: yes. Observed: 1 variant allele.
Comment: ANK3: BP4, BP7

NM_020987.5(ANK3):c.12117C>T (p.Ser4039=)

Gene: ANK3 (ankyrin 3; minus strand). Cytogenetic location: 10q21.2.
Variant type: single nucleotide variant.
Coding change: c.12117C>T on transcript NM_020987.5 (MANE Select); coding-DNA position 12117, C replaced by T.
Protein change: p.Ser4039=; no amino-acid change (serine 4039 retained).
Molecular consequence: synonymous variant. On other transcripts: intron variant (4).
Genome position (GRCh38, 1-based): chr10:60,068,764, G>A on the plus strand (C>T on the coding strand, the complement: ANK3 is on the minus strand). VCF-style: chr10-60068764-G-A. GRCh37 (hg19) VCF-style: chr10-61828522-G-A.
Other names: c.4388-755C>T (NM_001204403.2); c.4409-755C>T (NM_001204404.2); c.4406-755C>T (NM_001320874.2); c.1808-755C>T (NM_001149.4).
Identifiers: ClinVar variation 2421610 (VCV002421610.33), dbSNP rs143949334, ClinGen allele CA5510971.
Genomic context (GRCh38, chr10:60,068,764, plus strand): 5'-TGTTTTCTTATCTCTAGCAGACTTCGTTGTAACCGAAGGCTGGCCACCCCGGGAAGTCTC[G>A]GACAACGACGTGTTTCTTGAGGTACTTTCTTCCTCATCGGACAACTCGGACTGCATCTTT-3'
Protein context (NP_066267.2, residues 4029-4049): EESTSRNTSL[Ser4039=]ETSRGGQPSV